The following is an entry in ClinVar:

ClinVar aggregate classification (germline): Conflicting classifications of pathogenicity. Review status: criteria provided, conflicting classifications (1 of 4 stars). 3 submissions from 3 submitters: Uncertain significance (2); Likely benign (1). Last evaluated 2025-11-12.

Conditions:
KBG syndrome (KBGS). Also called: ANKRD11-Related KBG Syndrome. Identifiers: Orphanet 2332, MedGen C0220687, MONDO:0007846, OMIM 148050.

Allele frequency attached by ClinVar (database versions not stated): gnomAD exomes 0.00001; gnomAD 0.00002; TOPMed 0.00002; ExAC 0.00003; ESP Exome Variant Server 0.00008; 1000 Genomes Project 0.00020; 1000 Genomes Project 30x 0.00031.
gnomAD v4.1: 27 of 1,614,250 alleles (0.0017%); highest among the groups gnomAD compares: African/African-American, 0.02%; no homozygotes.

Submissions (3):

Women's Health and Genetics/Laboratory Corporation of America, LabCorp
Classification: Uncertain significance. Last evaluated: 2025-11-12. Review status: criteria provided, single submitter. Criteria: LabCorp Variant Classification Summary - May 2015. Collection method: clinical testing. Allele origin: germline.
Comment: Variant summary: ANKRD11 c.5300C>T (p.Ala1767Val) results in a non-conservative amino acid change in the encoded protein sequence. Algorithms developed to predict the effect of missense changes on protein structure and function are either unavailable or do not agree on the potential impact of this missense change. The variant allele was found at a frequency of 2.8e-05 in 250996 control chromosomes. The available data on variant occurrences in the general population are insufficient to allow any conclusion about variant significance. To our knowledge, no occurrence of c.5300C>T in individuals affected with ANKRD11-related conditions and no experimental evidence demonstrating its impact on protein function have been reported. ClinVar contains an entry for this variant (Variation ID: 1955457). Based on the evidence outlined above, the variant was classified as uncertain significance.

Blueprint Genetics
Classification: Likely benign. Last evaluated: 2024-01-12. Review status: criteria provided, single submitter. Criteria: ACMG Guidelines, 2015. Collection method: clinical testing. Allele origin: germline.

Labcorp Genetics (formerly Invitae), Labcorp
Classification: Uncertain significance for KBG syndrome. Last evaluated: 2022-08-08. Review status: criteria provided, single submitter. Criteria: Invitae Variant Classification Sherloc (09022015). Collection method: clinical testing. Allele origin: germline.
Comment: In summary, the available evidence is currently insufficient to determine the role of this variant in disease. Therefore, it has been classified as a Variant of Uncertain Significance. Advanced modeling of protein sequence and biophysical properties (such as structural, functional, and spatial information, amino acid conservation, physicochemical variation, residue mobility, and thermodynamic stability) performed at Invitae indicates that this missense variant is not expected to disrupt ANKRD11 protein function. This variant has not been reported in the literature in individuals affected with ANKRD11-related conditions. This variant is present in population databases (rs146303178, gnomAD 0.01%). This sequence change replaces alanine, which is neutral and non-polar, with valine, which is neutral and non-polar, at codon 1767 of the ANKRD11 protein (p.Ala1767Val).

NM_013275.6(ANKRD11):c.5300C>T (p.Ala1767Val)

Gene: ANKRD11 (ankyrin repeat domain 11; minus strand). Cytogenetic location: 16q24.3.
Variant type: single nucleotide variant.
Coding change: c.5300C>T on transcript NM_013275.6 (MANE Select); coding-DNA position 5300, C replaced by T.
Protein change: p.Ala1767Val; replaces alanine 1767 with valine.
Molecular consequence: missense variant.
Genome position (GRCh38, 1-based): chr16:89,281,242, G>A on the plus strand (C>T on the coding strand, the complement: ANKRD11 is on the minus strand). VCF-style: chr16-89281242-G-A. GRCh37 (hg19) VCF-style: chr16-89347650-G-A.
Other names: c.5300C>T, p.Ala1767Val (NM_001256182.2, NM_001256183.2); short protein forms A1767V.
Identifiers: ClinVar variation 1955457 (VCV001955457.7), dbSNP rs146303178, ClinGen allele CA8241883.